The following is an entry in ClinVar:

ClinVar aggregate classification (germline): Likely benign. Review status: criteria provided, multiple submitters, no conflicts (2 of 4 stars). 3 submissions from 3 submitters: Likely benign (3). Last evaluated 2023-11-08.

Conditions:
Inborn genetic diseases. Identifiers: MedGen C0950123, MeSH D030342.

Allele frequency attached by ClinVar (database versions not stated): gnomAD exomes below 0.00001; gnomAD 0.00001; TOPMed 0.00002.

Submissions (3):

Ambry Genetics
Classification: Likely benign for Inborn genetic diseases. Last evaluated: 2023-11-08. Review status: criteria provided, single submitter. Criteria: Ambry Variant Classification Scheme 2023. Collection method: clinical testing. Allele origin: germline.

Labcorp Genetics (formerly Invitae), Labcorp
Classification: Likely benign. Last evaluated: 2018-07-31. Review status: criteria provided, single submitter. Criteria: Invitae Variant Classification Sherloc (09022015). Collection method: clinical testing. Allele origin: germline.

GeneDx
Classification: Likely benign. Last evaluated: 2017-05-01. Review status: criteria provided, single submitter. Criteria: GeneDx Variant Classification (06012015). Collection method: clinical testing. Allele origin: germline. Affected: yes.
Comment: This variant is considered likely benign or benign based on one or more of the following criteria: it is a conservative change, it occurs at a poorly conserved position in the protein, it is predicted to be benign by multiple in silico algorithms, and/or has population frequency not consistent with disease.

NM_020774.4(MIB1):c.2037C>T (p.Thr679=)

Gene: MIB1 (MIB E3 ubiquitin protein ligase 1; plus strand). Cytogenetic location: 18q11.2.
Variant type: single nucleotide variant.
Coding change: c.2037C>T on transcript NM_020774.4 (MANE Select); coding-DNA position 2037, C replaced by T.
Protein change: p.Thr679=; no amino-acid change (threonine 679 retained).
Molecular consequence: synonymous variant.
Genome position (GRCh38, 1-based): chr18:21,843,205, C>T. VCF-style: chr18-21843205-C-T. GRCh37 (hg19) VCF-style: chr18-19423166-C-T.
Other names: c.2037C>T (NM_020774.2).
Identifiers: ClinVar variation 509256 (VCV000509256.5), dbSNP rs1232246381, ClinGen allele CA503397378.